The following is an entry in ClinVar:

ClinVar aggregate classification (germline): Uncertain significance. Review status: criteria provided, multiple submitters, no conflicts (2 of 4 stars). 2 submissions from 2 submitters: Uncertain significance (2). Last evaluated 2025-11-10.

Conditions:
Inborn genetic diseases. Identifiers: MedGen C0950123, MeSH D030342.

gnomAD v4.1: 1 of 1,613,926 alleles (0.000062%); highest among the groups gnomAD compares: Non-Finnish European, 0.000085%; no homozygotes.

Submissions (2):

Ambry Genetics
Classification: Uncertain significance for Inborn genetic diseases. Last evaluated: 2025-11-10. Review status: criteria provided, single submitter. Criteria: Ambry Variant Classification Scheme 2023. Collection method: clinical testing. Allele origin: germline.
Comment: The p.N1054S variant (also known as c.3161A>G), located in coding exon 24 of the ANKRD26 gene, results from an A to G substitution at nucleotide position 3161. The asparagine at codon 1054 is replaced by serine, an amino acid with highly similar properties. This amino acid position is conserved. In addition, this alteration is predicted to be tolerated by in silico analysis. Based on the available evidence, the clinical significance of this variant remains unclear.

GeneDx
Classification: Uncertain significance. Last evaluated: 2023-06-21. Review status: criteria provided, single submitter. Criteria: GeneDx Variant Classification Process June 2021. Collection method: clinical testing. Allele origin: germline. Affected: yes.
Comment: Not observed at significant frequency in large population cohorts (gnomAD); In silico analysis supports that this missense variant has a deleterious effect on protein structure/function; Has not been previously published as pathogenic or benign to our knowledge

NM_014915.3(ANKRD26):c.3161A>G (p.Asn1054Ser)

Gene: ANKRD26 (ankyrin repeat domain 26; minus strand). Cytogenetic location: 10p12.1.
Variant type: single nucleotide variant.
Coding change: c.3161A>G on transcript NM_014915.3 (MANE Select); coding-DNA position 3161, A replaced by G.
Protein change: p.Asn1054Ser; replaces asparagine 1054 with serine.
Molecular consequence: missense variant.
Genome position (GRCh38, 1-based): chr10:27,035,289, T>C on the plus strand (A>G on the coding strand, the complement: ANKRD26 is on the minus strand). VCF-style: chr10-27035289-T-C. GRCh37 (hg19) VCF-style: chr10-27324218-T-C.
Other names: c.3158A>G, p.Asn1053Ser (NM_001256053.2); short protein forms N1053S, N1054S.
Identifiers: ClinVar variation 3360158 (VCV003360158.2).
Genomic context (GRCh38, chr10:27,035,289, plus strand): 5'-TTGAGTTTACTTTCAGTTTTAAATAGTTGTTGAGAAAGAATCTCATTGTTATCTTTTAGG[T>C]TAGACACATCAAAATTCATTTTGTCCTGTAAACGAGAACATTCATCTCTTGCTCTCTGGA-3'
Protein context (NP_055730.2, residues 1044-1064): LQDKMNFDVS[Asn1054Ser]LKDNNEILSQ